The following is an entry in ClinVar:

NM_000138.5(FBN1):c.2648G>T (p.Trp883Leu)

Gene: FBN1 (fibrillin 1; minus strand). Cytogenetic location: 15q21.1.
Variant type: single nucleotide variant.
Coding change: c.2648G>T on transcript NM_000138.5 (MANE Select); coding-DNA position 2648, G replaced by T.
Protein change: p.Trp883Leu; replaces tryptophan 883 with leucine.
Molecular consequence: missense variant.
Genome position (GRCh38, 1-based): chr15:48,495,152, C>A on the plus strand (G>T on the coding strand, the complement: FBN1 is on the minus strand). VCF-style: chr15-48495152-C-A. GRCh37 (hg19) VCF-style: chr15-48787349-C-A.
Other names: c.2648G>T, p.Trp883Leu (NM_001406716.1); short protein forms W883L.
Identifiers: ClinVar variation 4789663 (VCV004789663.1).

ClinVar aggregate classification (germline): Likely pathogenic (1 of 4 stars; one submission).

Conditions:
Marfan syndrome (MFS). Also called: FBN1-Related Marfan Syndrome; MARFAN SYNDROME, TYPE I; Marfan syndrome type 1; Marfan's syndrome; Marfan syndrome, classic. Identifiers: Orphanet 284963, Orphanet 558, MedGen C0024796, MONDO:0007947, OMIM 154700.
Familial thoracic aortic aneurysm and aortic dissection (TAAD). Also called: Thoracic aortic aneurysms and dissections. Identifiers: Orphanet 91387, MedGen C4707243, MONDO:0019625.

Submission:

Labcorp Genetics (formerly Invitae), Labcorp
Classification: Likely pathogenic for Marfan syndrome; Familial thoracic aortic aneurysm and aortic dissection. Last evaluated: 2025-05-09. Review status: criteria provided, single submitter. Criteria: Invitae Variant Classification Sherloc (09022015). Collection method: clinical testing. Allele origin: germline.
Comment: This sequence change replaces tryptophan, which is neutral and slightly polar, with leucine, which is neutral and non-polar, at codon 883 of the FBN1 protein (p.Trp883Leu). This variant is not present in population databases (gnomAD no frequency). This missense change has been observed in individual(s) with FBN1-related conditions (internal data). Invitae Evidence Modeling of protein sequence and biophysical properties (such as structural, functional, and spatial information, amino acid conservation, physicochemical variation, residue mobility, and thermodynamic stability) indicates that this missense variant is expected to disrupt FBN1 protein function with a positive predictive value of 95%. This variant disrupts the p.Trp883 amino acid residue in FBN1. Other variant(s) that disrupt this residue have been determined to be pathogenic (PMID: 28650953; internal data). This suggests that this residue is clinically significant, and that variants that disrupt this residue are likely to be disease-causing. In summary, the currently available evidence indicates that the variant is pathogenic, but additional data are needed to prove that conclusively. Therefore, this variant has been classified as Likely Pathogenic.

Literature cited by the submitters: PubMed 28650953.